The following is an entry in ClinVar:

NM_004713.6(NEMF):c.980G>A (p.Arg327Gln)

Gene: NEMF (nuclear export mediator factor; minus strand). Cytogenetic location: 14q21.3.
Variant type: single nucleotide variant.
Coding change: c.980G>A on transcript NM_004713.6 (MANE Select); coding-DNA position 980, G replaced by A.
Protein change: p.Arg327Gln; replaces arginine 327 with glutamine.
Molecular consequence: missense variant.
Genome position (GRCh38, 1-based): chr14:49,829,392, C>T on the plus strand (G>A on the coding strand, the complement: NEMF is on the minus strand). VCF-style: chr14-49829392-C-T. GRCh37 (hg19) VCF-style: chr14-50296110-C-T.
Other names: c.980G>A, p.Arg327Gln (NM_001301732.3); short protein forms R327Q.
Identifiers: ClinVar variation 973824 (VCV000973824.1), dbSNP rs748423148, ClinGen allele CA7175409.

ClinVar aggregate classification (germline): Uncertain significance (1 of 4 stars; one submission).

Allele frequency attached by ClinVar (database versions not stated): ExAC 0.00002; TOPMed 0.00004 and 0.00002; gnomAD exomes 0.00002.
gnomAD v4.1: 18 of 1,613,926 alleles (0.0011%); highest among the groups gnomAD compares: South Asian, 0.0033%; no homozygotes.

Submission:

GeneDx
Classification: Uncertain significance. Last evaluated: 2020-07-12. Review status: criteria provided, single submitter. Criteria: GeneDx Variant Classification (06012015). Collection method: clinical testing. Allele origin: germline. Affected: yes.
Comment: In silico analysis supports that this missense variant has a deleterious effect on protein structure/function. Observed in 5/251346 (0.002%) alleles in large population cohorts, an no individuals were reported to be homozygous (Lek et al., 2016). We interpret R327Q as a variant of uncertain significance.